The following is an entry in ClinVar:

NM_000143.4(FH):c.845G>T (p.Gly282Val)

Gene: FH (fumarate hydratase; minus strand). Cytogenetic location: 1q43.
Variant type: single nucleotide variant.
Coding change: c.845G>T on transcript NM_000143.4 (MANE Select); coding-DNA position 845, G replaced by T.
Protein change: p.Gly282Val; replaces glycine 282 with valine.
Molecular consequence: missense variant.
Genome position (GRCh38, 1-based): chr1:241,506,062, C>A on the plus strand (G>T on the coding strand, the complement: FH is on the minus strand). VCF-style: chr1-241506062-C-A. GRCh37 (hg19) VCF-style: chr1-241669362-C-A.
Other names: short protein forms G282V.
Identifiers: ClinVar variation 960404 (VCV000960404.10), dbSNP rs935002190, ClinGen allele CA40328150.

ClinVar aggregate classification (germline): Likely pathogenic (1 of 4 stars; one submission).

Submission:

Labcorp Genetics (formerly Invitae), Labcorp
Classification: Likely pathogenic. Last evaluated: 2023-12-22. Review status: criteria provided, single submitter. Criteria: Invitae Variant Classification Sherloc (09022015). Collection method: clinical testing. Allele origin: germline.
Comment: This sequence change replaces glycine, which is neutral and non-polar, with valine, which is neutral and non-polar, at codon 282 of the FH protein (p.Gly282Val). This variant is not present in population databases (gnomAD no frequency). This missense change has been observed in individual(s) with multiple leiomyomatosis (PMID: 11865300). This variant is also known as Gly239Val. ClinVar contains an entry for this variant (Variation ID: 960404). Advanced modeling of protein sequence and biophysical properties (such as structural, functional, and spatial information, amino acid conservation, physicochemical variation, residue mobility, and thermodynamic stability) performed at Invitae indicates that this missense variant is expected to disrupt FH protein function with a positive predictive value of 95%. Experimental studies have shown that this missense change affects FH function (PMID: 11865300). This variant disrupts the p.Gly282 amino acid residue in FH. Other variant(s) that disrupt this residue have been determined to be pathogenic (PMID: 28747166; Invitae). This suggests that this residue is clinically significant, and that variants that disrupt this residue are likely to be disease-causing. In summary, the currently available evidence indicates that the variant is pathogenic, but additional data are needed to prove that conclusively. Therefore, this variant has been classified as Likely Pathogenic.

Literature cited by the submitters: PubMed 11865300; PubMed 28747166.